The following is an entry in ClinVar:

NM_001378120.1(MBD5):c.4644G>A (p.Glu1548=)

Gene: MBD5 (methyl-CpG binding domain protein 5; plus strand). Cytogenetic location: 2q23.1.
Variant type: single nucleotide variant.
Coding change: c.4644G>A on transcript NM_001378120.1 (MANE Select); coding-DNA position 4644, G replaced by A.
Protein change: p.Glu1548=; no amino-acid change (glutamic acid 1548 retained).
Molecular consequence: synonymous variant.
Genome position (GRCh38, 1-based): chr2:148,490,276, G>A. VCF-style: chr2-148490276-G-A. GRCh37 (hg19) VCF-style: chr2-149247845-G-A.
Other names: c.3945G>A, p.Glu1315= (NM_018328.5).
Identifiers: ClinVar variation 2889661 (VCV002889661.11), dbSNP rs2470028767, ClinGen allele CA429448168.

ClinVar aggregate classification (germline): Conflicting classifications of pathogenicity. Review status: criteria provided, conflicting classifications (1 of 4 stars). 2 submissions from 2 submitters: Uncertain significance (1); Likely benign (1). Last evaluated 2025-08-01.

Conditions:
Intellectual developmental disorder, autosomal dominant 1. Also called: MBD5 Haploinsufficiency; Intellectual disability, autosomal dominant 1. Identifiers: Orphanet 228402, MedGen C1969562, MONDO:0007974, OMIM 156200.

Submissions (2):

CeGaT Center for Human Genetics Tuebingen
Classification: Uncertain significance. Last evaluated: 2025-08-01. Review status: criteria provided, single submitter. Criteria: CeGaT Center For Human Genetics Tuebingen Variant Classification Criteria Version 2. Collection method: clinical testing. Allele origin: germline. Affected: yes. Observed: 1 variant allele.
Comment: MBD5: PM2:Supporting, BP4

Labcorp Genetics (formerly Invitae), Labcorp
Classification: Likely benign for Intellectual developmental disorder, autosomal dominant 1. Last evaluated: 2023-07-07. Review status: criteria provided, single submitter. Criteria: Invitae Variant Classification Sherloc (09022015). Collection method: clinical testing. Allele origin: germline.